The following is an entry in ClinVar:

ClinVar aggregate classification (germline): Pathogenic. Review status: criteria provided, multiple submitters, no conflicts (2 of 4 stars). 4 submissions from 4 submitters: Pathogenic (3). 1 of the submissions does not count toward it. Last evaluated 2024-07-12.

Conditions:
Obesity. Also called: Obesity disorder. Identifiers: Orphanet 71529, MedGen C0028754, MeSH D009765, MONDO:0011122, HP:0001513.
Obesity due to pro-opiomelanocortin deficiency. Also called: Obesity, adrenal insufficiency, and red hair due to POMC deficiency; PROOPIOMELANOCORTIN DEFICIENCY; OBESITY, EARLY-ONSET, WITH ADRENAL INSUFFICIENCY AND RED HAIR. Identifiers: Orphanet 71526, MedGen C1857854, MONDO:0012335, OMIM 609734.
Early onset severe obesity. Identifiers: MedGen C4013980.

Allele frequency attached by ClinVar (database versions not stated): gnomAD exomes 0.00003; gnomAD 0.00001 and 0.00002; TOPMed 0.00002; ExAC 0.00003.
gnomAD v4.1: 41 of 1,613,334 alleles (0.0025%); highest among the groups gnomAD compares: Non-Finnish European, 0.0035%; no homozygotes.

Submissions (4):

Cambridge Genomics Laboratory, East Genomic Laboratory Hub, NHS Genomic Medicine Service
Classification: Pathogenic for Severe early-onset obesity. Last evaluated: 2024-07-12. Review status: criteria provided, single submitter. Criteria: ACGS Best Practice Guidelines for Variant Classification in Rare Disease 2020. Collection method: clinical testing. Allele origin: germline. Affected: yes.
Comment: The p.Met1ext-3 variant is observed in 7/113.040 (0.0062%) alleles from individuals of gnomAD Non Finnish European background in gnomAD All. The p.Met1ext-3 variant is novel (not in any individuals) in 1kG All. (PM2 - Moderate) | Functional studies demonstrate that this variant has a damaging effect on the gene or gene product (PS3_Moderate - Moderate) | The variant is observed in trans (in a compound heterozygous state) with another pathogenic variant. (PM3_VeryStrong - Very Strong) | The patient's phenotype or family history is highly specific for a disease with a single genetic etiology. (PP4 - Supporting)

Labcorp Genetics (formerly Invitae), Labcorp
Classification: Pathogenic. Last evaluated: 2023-09-08. Review status: criteria provided, single submitter. Criteria: Invitae Variant Classification Sherloc (09022015). Collection method: clinical testing. Allele origin: germline.
Comment: For these reasons, this variant has been classified as Pathogenic. This variant occurs in a non-coding region of the POMC gene. It does not change the encoded amino acid sequence of the POMC protein. This variant is present in population databases (rs753856820, gnomAD 0.005%). This variant has been observed in individual(s) with clinical features of POMC deficiency (PMID: 9620771, 23293326, 23649472, 27906547). In at least one individual the data is consistent with being in trans (on the opposite chromosome) from a pathogenic variant. This variant is also known as C3804A. ClinVar contains an entry for this variant (Variation ID: 13355). Studies have shown that this variant alters POMC gene expression (PMID: 23649472, 27906547).

Fulgent Genetics
Classification: Pathogenic for Inherited obesity; Obesity due to pro-opiomelanocortin deficiency. Last evaluated: 2022-03-07. Review status: criteria provided, single submitter. Criteria: ACMG Guidelines, 2015. Collection method: clinical testing. Allele origin: unknown.

OMIM
Classification: Pathogenic for OBESITY, EARLY-ONSET, WITH ADRENAL INSUFFICIENCY AND RED HAIR. Last evaluated: 2003-10-01. Review status: no assertion criteria provided. Collection method: literature only. Allele origin: germline. Not counted in ClinVar's aggregate classification.

Literature cited by the submitters: PubMed 9620771 (cited by Labcorp Genetics (formerly Invitae), Labcorp and OMIM); PubMed 23293326 (cited by Labcorp Genetics (formerly Invitae), Labcorp); PubMed 23649472 (cited by Labcorp Genetics (formerly Invitae), Labcorp); PubMed 27906547 (cited by Labcorp Genetics (formerly Invitae), Labcorp); PubMed 14557433 (cited by OMIM).

NM_000939.4(POMC):c.-11C>A

Gene: POMC (proopiomelanocortin; minus strand). Cytogenetic location: 2p23.3.
Variant type: single nucleotide variant.
Coding change: c.-11C>A on transcript NM_000939.4 (MANE Select); 11 bases upstream of the start codon, C replaced by A.
Molecular consequence: 5 prime UTR variant.
Genome position (GRCh38, 1-based): chr2:25,164,783, G>T on the plus strand (C>A on the coding strand, the complement: POMC is on the minus strand). VCF-style: chr2-25164783-G-T. GRCh37 (hg19) VCF-style: chr2-25387652-G-T.
Other names: 3804C-A; c.-11C>A (NM_001035256.3, NM_001319204.2, NM_001319205.2).
Identifiers: ClinVar variation 13355 (VCV000013355.7), dbSNP rs753856820, ClinGen allele CA256770.